The following is an entry in ClinVar:

NM_173630.4(RTTN):c.5075T>C (p.Leu1692Pro)

Gene: RTTN (rotatin; minus strand). Cytogenetic location: 18q22.2.
Variant type: single nucleotide variant.
Coding change: c.5075T>C on transcript NM_173630.4 (MANE Select); coding-DNA position 5075, T replaced by C.
Protein change: p.Leu1692Pro; replaces leucine 1692 with proline.
Molecular consequence: missense variant.
Genome position (GRCh38, 1-based): chr18:70,054,241, A>G on the plus strand (T>C on the coding strand, the complement: RTTN is on the minus strand). VCF-style: chr18-70054241-A-G. GRCh37 (hg19) VCF-style: chr18-67721477-A-G.
Other names: c.2339T>C, p.Leu780Pro (NM_001318520.2); short protein forms L1692P, L780P.
Identifiers: ClinVar variation 3774137 (VCV003774137.1).
Genomic context (GRCh38, chr18:70,054,241, plus strand): 5'-AGAGGTTTCACAAGCTCATCCTGAATCACAAGGTCAGGCTCCACCAATAAACATGACTGC[A>G]GAAGCCTGGACAAAGAGGATAGGTATTCCAGGAGAAAGGAAACCTGTTTGAAAAGGAGAC-3'
Protein context (NP_775901.3, residues 1682-1702): LEYLSSLSRL[Leu1692Pro]QSCLLVEPDL

ClinVar aggregate classification (germline): Uncertain significance (1 of 4 stars; one submission).

Submission:

GeneDx
Classification: Uncertain significance. Last evaluated: 2024-09-19. Review status: criteria provided, single submitter. Criteria: GeneDx Variant Classification Process June 2021. Collection method: clinical testing. Allele origin: germline. Affected: yes.
Comment: Not observed at significant frequency in large population cohorts (gnomAD); In silico analysis supports that this missense variant has a deleterious effect on protein structure/function; Has not been previously published as pathogenic or benign to our knowledge